The following is an entry in ClinVar:

NM_201384.3(PLEC):c.6278C>T (p.Ala2093Val)

Gene: PLEC (plectin; minus strand). Cytogenetic location: 8q24.3.
Variant type: single nucleotide variant.
Coding change: c.6278C>T on transcript NM_201384.3 (MANE Select); coding-DNA position 6278, C replaced by T.
Protein change: p.Ala2093Val; replaces alanine 2093 with valine.
Molecular consequence: missense variant.
Genome position (GRCh38, 1-based): chr8:143,923,651, G>A on the plus strand (C>T on the coding strand, the complement: PLEC is on the minus strand). VCF-style: chr8-143923651-G-A. GRCh37 (hg19) VCF-style: chr8-144997819-G-A.
Other names: c.6359C>T, p.Ala2120Val (NM_000445.5); c.6236C>T, p.Ala2079Val (NM_201378.4); c.6212C>T, p.Ala2071Val (NM_201379.3); c.6689C>T, p.Ala2230Val (NM_201380.4); c.6182C>T, p.Ala2061Val (NM_201381.3); c.6278C>T, p.Ala2093Val (NM_201382.4); c.6290C>T, p.Ala2097Val (NM_201383.3); c.6359C>T (NM_000445.3); short protein forms A2120V, A2230V, A2093V, A2061V, A2071V, A2097V, A2079V.
Identifiers: ClinVar variation 281695 (VCV000281695.19), dbSNP rs782190474, ClinGen allele CA4926057.

ClinVar aggregate classification (germline): Uncertain significance. Review status: criteria provided, multiple submitters, no conflicts (2 of 4 stars). 7 submissions from 7 submitters: Uncertain significance (5). 2 of the submissions do not count toward it. Last evaluated 2026-03-12.

Conditions:
PLEC-related disorder. Also called: PLEC-related disorders; PLEC-related condition.
Inborn genetic diseases. Identifiers: MedGen C0950123, MeSH D030342.
Epidermolysis bullosa simplex with nail dystrophy (EBS5D). Identifiers: MedGen C4225309, MONDO:0014661, OMIM 616487.
Autosomal recessive limb-girdle muscular dystrophy type 2Q (LGMDR17). Also called: MUSCULAR DYSTROPHY, LIMB-GIRDLE, AUTOSOMAL RECESSIVE 17. Identifiers: Orphanet 254361, MedGen C3150989, MONDO:0013390, OMIM 613723.
Epidermolysis bullosa simplex 5C, with pyloric atresia (EBS5C). Also called: PLEC-Related Epidermolysis Bullosa with Pyloric Atresia; Epidermolysis bullosa simplex with pyloric atresia; PLEC1-Related Epidermolysis Bullosa with Pyloric Atresia. Identifiers: Orphanet 158684, MedGen C2677349, MONDO:0012807, OMIM 612138.
Epidermolysis bullosa simplex 5B, with muscular dystrophy (EBS5B). Also called: EPIDERMOLYSIS BULLOSA SIMPLEX AND LIMB-GIRDLE MUSCULAR DYSTROPHY; Epidermolysis bullosa simplex with muscular dystrophy. Identifiers: Orphanet 257, MedGen C2931072, MONDO:0009181, OMIM 226670.
Epidermolysis bullosa simplex, Ogna type (EBS5A). Also called: Pidermolysis bullosa simplex 5A, Ogna type; EPIDERMOLYSIS BULLOSA SIMPLEX 5A, OGNA TYPE. Identifiers: Orphanet 79401, MedGen C0432317, MONDO:0007555, OMIM 131950.

Allele frequency attached by ClinVar (database versions not stated): ExAC 0.00004; gnomAD 0.00012 and 0.00013; gnomAD exomes 0.00013 and 0.00014; TOPMed 0.00017.
gnomAD v4.1: 214 of 1,570,380 alleles (0.014%); highest among the groups gnomAD compares: Non-Finnish European, 0.016%; no homozygotes.

Submissions (8):

PreventionGenetics, part of Exact Sciences
Classification: Uncertain significance for PLEC-related condition. Last evaluated: 2026-03-12. Review status: criteria provided, single submitter. Criteria: ACMG Guidelines, 2015. Collection method: clinical testing. Allele origin: germline.
Comment: The PLEC c.6359C>T variant is predicted to result in the amino acid substitution p.Ala2120Val. To our knowledge, this variant has not been reported in the literature. This variant is reported in 0.019% of alleles in individuals of European (Non-Finnish) descent in gnomAD. At this time, the clinical significance of this variant is uncertain due to the absence of conclusive functional and genetic evidence.

Labcorp Genetics (formerly Invitae), Labcorp
Classification: Uncertain significance for Autosomal recessive limb-girdle muscular dystrophy type 2Q; Epidermolysis bullosa simplex, Ogna type; Epidermolysis bullosa simplex with nail dystrophy; Epidermolysis bullosa simplex 5C, with pyloric atresia; Epidermolysis bullosa simplex 5B, with muscular dystrophy. Last evaluated: 2026-02-02. Review status: criteria provided, single submitter. Criteria: Invitae Variant Classification Sherloc (09022015). Collection method: clinical testing. Allele origin: germline.
Comment: This sequence change replaces alanine, which is neutral and non-polar, with valine, which is neutral and non-polar, at codon 2120 of the PLEC protein (p.Ala2120Val). This variant is present in population databases (rs782190474, gnomAD 0.02%). This variant has not been reported in the literature in individuals affected with PLEC-related conditions. ClinVar contains an entry for this variant (Variation ID: 281695). An algorithm developed to predict the effect of missense changes on protein structure and function (PolyPhen-2) suggests that this variant is likely to be tolerated. In summary, the available evidence is currently insufficient to determine the role of this variant in disease. Therefore, it has been classified as a Variant of Uncertain Significance.

Ambry Genetics
Classification: Uncertain significance for Inborn genetic diseases. Last evaluated: 2024-01-04. Review status: criteria provided, single submitter. Criteria: Ambry Variant Classification Scheme 2023. Collection method: clinical testing. Allele origin: germline.

Revvity Omics, Revvity
Classification: Uncertain significance. Last evaluated: 2022-03-10. Review status: criteria provided, single submitter. Criteria: ACMG Guidelines, 2015. Collection method: clinical testing. Allele origin: germline.

Eurofins Ntd Llc (ga)
Classification: Uncertain significance. Last evaluated: 2015-07-09. Review status: criteria provided, single submitter. Criteria: EGL Classification Definitions 2015. Collection method: clinical testing. Allele origin: germline. Observed: 4 variant alleles, 3 heterozygotes.

Clinical Genetics DNA and cytogenetics Diagnostics Lab, Erasmus MC, Erasmus Medical Center
Classification: Uncertain significance. Review status: no assertion criteria provided. Collection method: clinical testing. Allele origin: germline. Affected: yes. Study: VKGL Data-share Consensus. Not counted in ClinVar's aggregate classification.

Dr. Peter K. Rogan Lab, Western University
No classification provided (evidence only). Condition: Malignant tumor of esophagus. Review status: no classification provided. Collection method: in vitro. Allele origin: not applicable. Functional consequence: skipped exon, retained intron. Not counted in ClinVar's aggregate classification.

Laboratory of Diagnostic Genome Analysis, Leiden University Medical Center (LUMC)
Classification: Uncertain significance. Review status: no assertion criteria provided. Collection method: clinical testing. Allele origin: germline. Affected: yes. Study: VKGL Data-share Consensus. Not counted in ClinVar's aggregate classification.